The following is an entry in ClinVar:

ClinVar aggregate classification (germline): Uncertain significance. Review status: criteria provided, multiple submitters, no conflicts (2 of 4 stars). 2 submissions from 2 submitters: Uncertain significance (2). Last evaluated 2025-06-05.

Conditions:
Renal cell carcinoma. Identifiers: Orphanet 217071, MedGen C0007134, MeSH D002292, MONDO:0005086, HP:0005584.

gnomAD v4.1: 3 of 1,614,086 alleles (0.00019%); highest among the groups gnomAD compares: Non-Finnish European, 0.00025%; no homozygotes.

Submissions (2):

Quest Diagnostics Nichols Institute San Juan Capistrano
Classification: Uncertain significance. Last evaluated: 2025-06-05. Review status: criteria provided, single submitter. Criteria: Quest Diagnostics criteria. Collection method: clinical testing. Allele origin: unknown.

Labcorp Genetics (formerly Invitae), Labcorp
Classification: Uncertain significance for Renal cell carcinoma. Last evaluated: 2024-08-01. Review status: criteria provided, single submitter. Criteria: Invitae Variant Classification Sherloc (09022015). Collection method: clinical testing. Allele origin: germline.
Comment: This sequence change replaces arginine, which is basic and polar, with lysine, which is basic and polar, at codon 280 of the MET protein (p.Arg280Lys). This variant is not present in population databases (gnomAD no frequency). This variant has not been reported in the literature in individuals affected with MET-related conditions. ClinVar contains an entry for this variant (Variation ID: 1463767). Advanced modeling of protein sequence and biophysical properties (such as structural, functional, and spatial information, amino acid conservation, physicochemical variation, residue mobility, and thermodynamic stability) performed at Invitae indicates that this missense variant is expected to disrupt MET protein function with a positive predictive value of 80%. In summary, the available evidence is currently insufficient to determine the role of this variant in disease. Therefore, it has been classified as a Variant of Uncertain Significance.

NM_000245.4(MET):c.839G>A (p.Arg280Lys)

Gene: MET (MET proto-oncogene, receptor tyrosine kinase; plus strand). Cytogenetic location: 7q31.2.
Variant type: single nucleotide variant.
Coding change: c.839G>A on transcript NM_000245.4 (MANE Select); coding-DNA position 839, G replaced by A.
Protein change: p.Arg280Lys; replaces arginine 280 with lysine.
Molecular consequence: missense variant. On other transcripts: intron variant (1).
Genome position (GRCh38, 1-based): chr7:116,699,923, G>A. VCF-style: chr7-116699923-G-A. GRCh37 (hg19) VCF-style: chr7-116339977-G-A.
Other names: c.839G>A, p.Arg280Lys (NM_001127500.3, NM_001324401.3); c.-91+27346G>A (NM_001324402.2); c.839G>A (NM_001127500.2); short protein forms R280K.
Identifiers: ClinVar variation 1463767 (VCV001463767.9), dbSNP rs770528254, ClinGen allele CA368969962.